The following is an entry in ClinVar:

ClinVar aggregate classification (germline): Pathogenic (1 of 4 stars; one submission).

Conditions:
Developmental and epileptic encephalopathy, 2 (DEE2). Also called: INFANTILE SPASM SYNDROME, X-LINKED 2; CDKL5 deficiency disorder. Identifiers: Orphanet 1934, Orphanet 3451, Orphanet 505652, MedGen C4750718, MONDO:0010396, OMIM 300672.
Angelman syndrome-like. Identifiers: MedGen CN128785.

Submission:

Labcorp Genetics (formerly Invitae), Labcorp
Classification: Pathogenic for Developmental and epileptic encephalopathy, 2; Angelman syndrome-like. Last evaluated: 2022-04-08. Review status: criteria provided, single submitter. Criteria: Invitae Variant Classification Sherloc (09022015). Collection method: clinical testing. Allele origin: germline.
Comment: For these reasons, this variant has been classified as Pathogenic. This variant has not been reported in the literature in individuals affected with CDKL5-related conditions. This variant is not present in population databases (gnomAD no frequency). This sequence change creates a premature translational stop signal (p.Gln441*) in the CDKL5 gene. It is expected to result in an absent or disrupted protein product. Loss-of-function variants in CDKL5 are known to be pathogenic (PMID: 22872100).

Literature cited by the submitters: PubMed 22872100.

NM_001323289.2(CDKL5):c.1321C>T (p.Gln441Ter)

Gene: CDKL5 (cyclin dependent kinase like 5; plus strand). Cytogenetic location: Xp22.13.
Variant type: single nucleotide variant.
Coding change: c.1321C>T on transcript NM_001323289.2 (MANE Select); coding-DNA position 1321, C replaced by T.
Protein change: p.Gln441Ter; replaces glutamine 441 with a stop codon.
Molecular consequence: nonsense.
Genome position (GRCh38, 1-based): chrX:18,604,245, C>T. VCF-style: chrX-18604245-C-T. GRCh37 (hg19) VCF-style: chrX-18622365-C-T.
Other names: c.1321C>T, p.Gln441Ter (NM_001037343.2, NM_003159.3); short protein forms Q441*.
Identifiers: ClinVar variation 2123296 (VCV002123296.4), dbSNP rs2518874157, ClinGen allele CA412360420.